The following is an entry in ClinVar:

NM_006231.4(POLE):c.1334G>T (p.Cys445Phe)

Gene: POLE (DNA polymerase epsilon, catalytic subunit; minus strand). Cytogenetic location: 12q24.33.
Variant type: single nucleotide variant.
Coding change: c.1334G>T on transcript NM_006231.4 (MANE Select); coding-DNA position 1334, G replaced by T.
Protein change: p.Cys445Phe; replaces cysteine 445 with phenylalanine.
Molecular consequence: missense variant.
Genome position (GRCh38, 1-based): chr12:132,673,600, C>A on the plus strand (G>T on the coding strand, the complement: POLE is on the minus strand). VCF-style: chr12-132673600-C-A. GRCh37 (hg19) VCF-style: chr12-133250186-C-A.
Other names: c.1334G>T (NM_006231.2); short protein forms C445F.
Identifiers: ClinVar variation 2172526 (VCV002172526.7), dbSNP rs995479413, ClinGen allele CA246294595.

ClinVar aggregate classification (germline): Uncertain significance. Review status: criteria provided, multiple submitters, no conflicts (2 of 4 stars). 2 submissions from 2 submitters: Uncertain significance (2). Last evaluated 2026-01-13.

Conditions:
Hereditary cancer-predisposing syndrome. Also called: Tumor predisposition; Hereditary neoplastic syndrome; Neoplastic Syndromes, Hereditary; Hereditary Cancer Syndrome. Identifiers: Orphanet 140162, MedGen C0027672, MeSH D009386, MONDO:0015356.

Submissions (2):

Labcorp Genetics (formerly Invitae), Labcorp
Classification: Uncertain significance. Last evaluated: 2026-01-13. Review status: criteria provided, single submitter. Criteria: Invitae Variant Classification Sherloc (09022015). Collection method: clinical testing. Allele origin: germline.
Comment: This sequence change replaces cysteine, which is neutral and slightly polar, with phenylalanine, which is neutral and non-polar, at codon 445 of the POLE protein (p.Cys445Phe). This variant is not present in population databases (gnomAD no frequency). This variant has not been reported in the literature in individuals affected with POLE-related conditions. ClinVar contains an entry for this variant (Variation ID: 2172526). Invitae Evidence Modeling of protein sequence and biophysical properties (such as structural, functional, and spatial information, amino acid conservation, physicochemical variation, residue mobility, and thermodynamic stability) indicates that this missense variant is expected to disrupt POLE protein function with a positive predictive value of 80%. In summary, the available evidence is currently insufficient to determine the role of this variant in disease. Therefore, it has been classified as a Variant of Uncertain Significance.

Ambry Genetics
Classification: Uncertain significance for Hereditary cancer-predisposing syndrome. Last evaluated: 2025-03-26. Review status: criteria provided, single submitter. Criteria: Ambry Variant Classification Scheme 2023. Collection method: clinical testing. Allele origin: germline.
Comment: The p.C445F variant (also known as c.1334G>T), located in coding exon 13 of the POLE gene, results from a G to T substitution at nucleotide position 1334. The cysteine at codon 445 is replaced by phenylalanine, an amino acid with highly dissimilar properties. This amino acid position is highly conserved in available vertebrate species. In addition, the in silico prediction for this alteration is inconclusive. Based on the available evidence, the clinical significance of this variant remains unclear.